The following is an entry in ClinVar:

ClinVar aggregate classification (germline): Benign. Review status: criteria provided, multiple submitters, no conflicts (2 of 4 stars). 2 submissions from 2 submitters: Benign (2). Last evaluated 2026-02-04.

gnomAD v4.1: 166,284 of 1,609,886 alleles (10%); highest among the groups gnomAD compares: Middle Eastern, 18%; 2,440 homozygotes.

Submissions (2):

Labcorp Genetics (formerly Invitae), Labcorp
Classification: Benign. Last evaluated: 2026-02-04. Review status: criteria provided, single submitter. Criteria: Invitae Variant Classification Sherloc (09022015). Collection method: clinical testing. Allele origin: germline.

GeneDx
Classification: Benign. Last evaluated: 2021-07-14. Review status: criteria provided, single submitter. Criteria: GeneDx Variant Classification Process June 2021. Collection method: clinical testing. Allele origin: germline. Affected: yes.
Comment: See Variant Classification Assertion Criteria.

NM_030653.4(DDX11):c.1153C>T (p.Leu385=)

Gene: DDX11 (DEAD/H-box helicase 11; plus strand). Cytogenetic location: 12p11.21.
Variant type: single nucleotide variant.
Coding change: c.1153C>T on transcript NM_030653.4 (MANE Select); coding-DNA position 1153, C replaced by T.
Protein change: p.Leu385=; no amino-acid change (leucine 385 retained).
Molecular consequence: synonymous variant. On other transcripts: non-coding transcript variant (4).
Genome position (GRCh38, 1-based): chr12:31,091,782, C>T. VCF-style: chr12-31091782-C-T. GRCh37 (hg19) VCF-style: chr12-31244716-C-T.
Other names: c.1153C>T, p.Leu385= (NM_001257144.2, NM_001413692.1, NM_001413693.1 and 5 more transcripts); c.1075C>T, p.Leu359= (NM_001257145.2, NM_001413697.1, NM_001413698.1 and 1 more transcripts); c.1066C>T, p.Leu356= (NM_001413700.1); c.625C>T, p.Leu209= (NM_001413702.1, NM_001413703.1); c.292C>T, p.Leu98= (NM_001413704.1, NM_001413705.1); c.187C>T, p.Leu63= (NM_001413706.1).
Identifiers: ClinVar variation 3341027 (VCV003341027.2).